The following is an entry in ClinVar:

ClinVar aggregate classification (germline): Uncertain significance (1 of 4 stars; one submission).

Conditions:
Arrhythmogenic cardiomyopathy with wooly hair and keratoderma. Also called: Carvajal syndrome; PALMOPLANTAR KERATODERMA WITH LEFT VENTRICULAR CARDIOMYOPATHY AND WOOLLY HAIR; Dilated cardiomyopathy with woolly hair and keratoderma; Arrhythmogenic cardiomyopathy with woolly hair and keratoderma. Identifiers: Orphanet 65282, MedGen C1854063, MONDO:0011581, OMIM 605676.
Arrhythmogenic right ventricular dysplasia 8 (ARVD8). Also called: Arrhythmogenic Right Ventricular Dysplasia/Cardiomyopathy 8; ARRHYTHMOGENIC RIGHT VENTRICULAR DYSPLASIA, FAMILIAL, 8; ARRHYTHMOGENIC RIGHT VENTRICULAR CARDIOMYOPATHY 8. Identifiers: MedGen C1843896, MONDO:0011831, OMIM 607450.

Submission:

Labcorp Genetics (formerly Invitae), Labcorp
Classification: Uncertain significance for Arrhythmogenic cardiomyopathy with wooly hair and keratoderma; Arrhythmogenic right ventricular dysplasia 8. Last evaluated: 2025-07-18. Review status: criteria provided, single submitter. Criteria: Invitae Variant Classification Sherloc (09022015). Collection method: clinical testing. Allele origin: germline.
Comment: This sequence change replaces arginine, which is basic and polar, with serine, which is neutral and polar, at codon 1603 of the DSP protein (p.Arg1603Ser). This variant is not present in population databases (gnomAD no frequency). This variant has not been reported in the literature in individuals affected with DSP-related conditions. An algorithm developed to predict the effect of missense changes on protein structure and function (PolyPhen-2) suggests that this variant is likely to be tolerated. In summary, the available evidence is currently insufficient to determine the role of this variant in disease. Therefore, it has been classified as a Variant of Uncertain Significance.

NM_004415.4(DSP):c.4809G>T (p.Arg1603Ser)

Gene: DSP (desmoplakin; plus strand). Cytogenetic location: 6p24.3.
Variant type: single nucleotide variant.
Coding change: c.4809G>T on transcript NM_004415.4 (MANE Select); coding-DNA position 4809, G replaced by T.
Protein change: p.Arg1603Ser; replaces arginine 1603 with serine.
Molecular consequence: missense variant. On other transcripts: intron variant (2).
Genome position (GRCh38, 1-based): chr6:7,580,999, G>T. VCF-style: chr6-7580999-G-T. GRCh37 (hg19) VCF-style: chr6-7581232-G-T.
Other names: c.4050+759G>T (NM_001319034.2); c.3582+1227G>T (NM_001008844.3); short protein forms R1603S.
Identifiers: ClinVar variation 4785608 (VCV004785608.1).